The following is an entry in ClinVar:

ClinVar aggregate classification (germline): Likely pathogenic (1 of 4 stars; one submission).

Conditions:
Autosomal recessive nonsyndromic hearing loss 66 (DFNB66). Also called: Deafness, autosomal recessive 66. Identifiers: Orphanet 90636, MedGen C1857750, MONDO:0012442, OMIM 610212.
Isolated neonatal sclerosing cholangitis (NSC). Also called: Sclerosing cholangitis, neonatal. Identifiers: Orphanet 480556, MedGen C4479344, MONDO:0018816, OMIM 617394.

Submission:

Labcorp Genetics (formerly Invitae), Labcorp
Classification: Likely pathogenic for Autosomal recessive nonsyndromic hearing loss 66; Isolated neonatal sclerosing cholangitis. Last evaluated: 2021-06-25. Review status: criteria provided, single submitter. Criteria: Invitae Variant Classification Sherloc (09022015). Collection method: clinical testing. Allele origin: germline.
Comment: In summary, the currently available evidence indicates that the variant is pathogenic, but additional data are needed to prove that conclusively. Therefore, this variant has been classified as Likely Pathogenic. Algorithms developed to predict the effect of sequence changes on RNA splicing suggest that this variant may disrupt the consensus splice site, but this prediction has not been confirmed by published transcriptional studies. This variant has not been reported in the literature in individuals with DCDC2-related conditions. This variant is not present in population databases (ExAC no frequency). This sequence change affects an acceptor splice site in intron 3 of the DCDC2 gene. It is expected to disrupt RNA splicing. Variants that disrupt the donor or acceptor splice site typically lead to a loss of protein function (PMID: 16199547), and loss-of-function variants in DCDC2 are known to be pathogenic (PMID: 27319779, 27469900).

Literature cited by the submitters: PubMed 16199547; PubMed 27319779; PubMed 27469900.

NM_016356.5(DCDC2):c.426-2A>G

Gene: DCDC2 (doublecortin domain containing 2; minus strand). Cytogenetic location: 6p22.3.
Variant type: single nucleotide variant.
Coding change: c.426-2A>G on transcript NM_016356.5 (MANE Select); the canonical splice acceptor site of the intron before coding-DNA position 426, A replaced by G.
Molecular consequence: splice acceptor variant.
Genome position (GRCh38, 1-based): chr6:24,301,848, T>C on the plus strand (A>G on the coding strand, the complement: DCDC2 is on the minus strand). VCF-style: chr6-24301848-T-C. GRCh37 (hg19) VCF-style: chr6-24302076-T-C.
Other names: c.426-2A>G (NM_001195610.2).
Identifiers: ClinVar variation 1492885 (VCV001492885.8), dbSNP rs2113838226, ClinGen allele CA363281177.